The following is an entry in ClinVar:

NM_182961.4(SYNE1):c.20143G>A (p.Val6715Met)

Gene: SYNE1 (spectrin repeat containing nuclear envelope protein 1; minus strand). Cytogenetic location: 6q25.2.
Variant type: single nucleotide variant.
Coding change: c.20143G>A on transcript NM_182961.4 (MANE Select); coding-DNA position 20143, G replaced by A.
Protein change: p.Val6715Met; replaces valine 6715 with methionine.
Molecular consequence: missense variant.
Genome position (GRCh38, 1-based): chr6:152,236,873, C>T on the plus strand (G>A on the coding strand, the complement: SYNE1 is on the minus strand). VCF-style: chr6-152236873-C-T. GRCh37 (hg19) VCF-style: chr6-152558008-C-T.
Other names: c.19930G>A, p.Val6644Met (NM_033071.5); short protein forms V6715M, V6644M.
Identifiers: ClinVar variation 471019 (VCV000471019.14), dbSNP rs145185413, ClinGen allele CA4054488.

ClinVar aggregate classification (germline): Uncertain significance. Review status: criteria provided, multiple submitters, no conflicts (2 of 4 stars). 4 submissions from 4 submitters: Uncertain significance (2). 2 of the submissions do not count toward it. Last evaluated 2024-06-07.

Conditions:
Emery-Dreifuss muscular dystrophy 4, autosomal dominant (EDMD4). Also called: EMERY-DREIFUSS MUSCULAR DYSTROPHY 4 WITH VARIABLE FEATURES. Identifiers: Orphanet 261, MedGen C2751807, MONDO:0013071, OMIM 612998.
Autosomal recessive ataxia, Beauce type. Also called: SYNE1-Related Autosomal Recessive Cerebellar Ataxia; Spinocerebellar ataxia, autosomal recessive 8; ATAXIA, RECESSIVE, OF BEAUCE; SYNE1 Deficiency. Identifiers: Orphanet 88644, MedGen C1853116, MONDO:0012549, OMIM 610743.

Allele frequency attached by ClinVar (database versions not stated): gnomAD 0.00007 and 0.00009; ESP Exome Variant Server 0.00015; ExAC 0.00003; gnomAD exomes 0.00004; TOPMed 0.00006.
gnomAD v4.1: 50 of 1,614,070 alleles (0.0031%); highest among the groups gnomAD compares: African/African-American, 0.011%; no homozygotes.

Submissions (4):

Revvity Omics, Revvity
Classification: Uncertain significance. Last evaluated: 2024-06-07. Review status: criteria provided, single submitter. Criteria: ACMG Guidelines, 2015. Collection method: clinical testing. Allele origin: germline.

Labcorp Genetics (formerly Invitae), Labcorp
Classification: Uncertain significance for Emery-Dreifuss muscular dystrophy 4, autosomal dominant; Autosomal recessive ataxia, Beauce type. Last evaluated: 2022-05-08. Review status: criteria provided, single submitter. Criteria: Invitae Variant Classification Sherloc (09022015). Collection method: clinical testing. Allele origin: germline.
Comment: This sequence change replaces valine, which is neutral and non-polar, with methionine, which is neutral and non-polar, at codon 6644 of the SYNE1 protein (p.Val6644Met). This variant is present in population databases (rs145185413, gnomAD 0.008%). This variant has not been reported in the literature in individuals affected with SYNE1-related conditions. ClinVar contains an entry for this variant (Variation ID: 471019). Algorithms developed to predict the effect of missense changes on protein structure and function are either unavailable or do not agree on the potential impact of this missense change (SIFT: "Deleterious"; PolyPhen-2: "Probably Damaging"; Align-GVGD: "Class C15"). In summary, the available evidence is currently insufficient to determine the role of this variant in disease. Therefore, it has been classified as a Variant of Uncertain Significance.

Diagnostic Laboratory, Department of Genetics, University Medical Center Groningen
Classification: Uncertain significance. Review status: no assertion criteria provided. Collection method: clinical testing. Allele origin: germline. Affected: yes. Study: VKGL Data-share Consensus. Not counted in ClinVar's aggregate classification.

Laboratory of Diagnostic Genome Analysis, Leiden University Medical Center (LUMC)
Classification: Uncertain significance. Review status: no assertion criteria provided. Collection method: clinical testing. Allele origin: germline. Affected: yes. Study: VKGL Data-share Consensus. Not counted in ClinVar's aggregate classification.